The following is an entry in ClinVar:

NM_001385449.1(RTL9):c.3030G>C (p.Val1010=)

Gene: RTL9 (retrotransposon Gag like 9; plus strand). Cytogenetic location: Xq23.
Variant type: single nucleotide variant.
Coding change: c.3030G>C on transcript NM_001385449.1 (MANE Select); coding-DNA position 3030, G replaced by C.
Protein change: p.Val1010=; no amino-acid change (valine 1010 retained).
Molecular consequence: synonymous variant.
Genome position (GRCh38, 1-based): chrX:110,453,647, G>C. VCF-style: chrX-110453647-G-C. GRCh37 (hg19) VCF-style: chrX-109696875-G-C.
Other names: c.3030G>C, p.Val1010= (NM_020769.2).
Identifiers: ClinVar variation 2661196 (VCV002661196.24), dbSNP rs375557311, ClinGen allele CA10492146.
Genomic context (GRCh38, chrX:110,453,647, plus strand): 5'-ATTGCAAACCAGTGTTGCGAACTCTAGATCTATGTCCTTGTCACAAACAACATATACCGT[G>C]TCTGGAAGGATGGCCACAGCGCCAATTAGAGCCTCTGCTTCTGGAGCAAGGTCCACATCA-3'
Protein context (NP_001372378.1, residues 1000-1020): SMSLSQTTYT[Val1010=]SGRMATAPIR

ClinVar aggregate classification (germline): Likely benign (1 of 4 stars; one submission).

Allele frequency attached by ClinVar (database versions not stated): ESP Exome Variant Server 0.00019; TOPMed 0.00026; gnomAD exomes 0.00043; gnomAD 0.00044; ExAC 0.00050; 1000 Genomes Project 0.00053; 1000 Genomes Project 30x 0.00062.
gnomAD v4.1: 518 of 1,210,623 alleles (0.043%); highest among the groups gnomAD compares: South Asian, 0.14%; no homozygotes.

Submission:

CeGaT Center for Human Genetics Tuebingen
Classification: Likely benign. Last evaluated: 2022-12-01. Review status: criteria provided, single submitter. Criteria: CeGaT Center For Human Genetics Tuebingen Variant Classification Criteria Version 2. Collection method: clinical testing. Allele origin: germline. Affected: yes. Observed: 1 variant allele.
Comment: RTL9: BP4, BP7, BS2